The following is an entry in ClinVar:

NM_002210.5(ITGAV):c.802+8G>A

Gene: ITGAV (integrin subunit alpha V; plus strand). Cytogenetic location: 2q32.1.
Variant type: single nucleotide variant.
Coding change: c.802+8G>A on transcript NM_002210.5 (MANE Select); 8 bases into the intron after coding-DNA position 802, G replaced by A.
Molecular consequence: intron variant.
Genome position (GRCh38, 1-based): chr2:186,637,117, G>A. VCF-style: chr2-186637117-G-A. GRCh37 (hg19) VCF-style: chr2-187501844-G-A.
Other names: c.694+8G>A (NM_001145000.3); c.664+8G>A (NM_001144999.3).
Identifiers: ClinVar variation 3036090 (VCV003036090.2), dbSNP rs2468580638, ClinGen allele CA2577183141.
Genomic context (GRCh38, chr2:186,637,117, plus strand): 5'-CTGTTTAGGTTATTCTGTGGCTGTCGGAGATTTCAATGGTGATGGCATAGATGGTATGAA[G>A]TACTTGAACTATATCTAATCTTTAAAAAAATTAGATTAAGTATTTGAAACATGTGGCATT-3'

ClinVar aggregate classification (germline): Likely benign (0 of 4 stars; one submission).

Conditions:
ITGAV-related disorder. Also called: ITGAV-related condition.

Submission:

PreventionGenetics, part of Exact Sciences
Classification: Likely benign for ITGAV-related condition. Last evaluated: 2023-01-16. Review status: no assertion criteria provided. Collection method: clinical testing. Allele origin: germline.
Comment: This variant is classified as likely benign based on ACMG/AMP sequence variant interpretation guidelines (Richards et al. 2015 PMID: 25741868, with internal and published modifications).